The following is an entry in ClinVar:

NM_000261.2(MYOC):c.309C>T (p.Thr103=)

Gene: MYOC (myocilin; minus strand). Cytogenetic location: 1q24.3.
Variant type: single nucleotide variant.
Coding change: c.309C>T on transcript NM_000261.2 (MANE Select); coding-DNA position 309, C replaced by T.
Protein change: p.Thr103=; no amino-acid change (threonine 103 retained).
Molecular consequence: synonymous variant.
Genome position (GRCh38, 1-based): chr1:171,652,303, G>A on the plus strand (C>T on the coding strand, the complement: MYOC is on the minus strand). VCF-style: chr1-171652303-G-A. GRCh37 (hg19) VCF-style: chr1-171621443-G-A.
Other names: NM_000261.2:c.309C>T.
Identifiers: ClinVar variation 1723170 (VCV001723170.2), dbSNP rs368702811, ClinGen allele CA1244297.

ClinVar aggregate classification (germline): Likely benign (3 of 4 stars; one submission).

Conditions:
Open-angle glaucoma. Identifiers: MedGen C0017612, MONDO:0005338, HP:0012108.

Allele frequency attached by ClinVar (database versions not stated): TOPMed 0.00001; gnomAD 0.00004; ExAC 0.00011; gnomAD exomes 0.00006.
gnomAD v4.1: 88 of 1,611,394 alleles (0.0055%); highest among the groups gnomAD compares: South Asian, 0.093%; 2 homozygotes.

Submission:

ClinGen Glaucoma Variant Curation Expert Panel
Classification: Likely benign for Open-angle glaucoma. Last evaluated: 2025-11-12. Review status: reviewed by expert panel. Criteria: ClinGen Glaucoma ACMG Specifications V2.0.0 Approved. Collection method: curation. Allele origin: germline. Inheritance: Autosomal dominant inheritance.
Comment: The c.309C>T variant in MYOC is a synonymous variant (p.Thr103=). The highest minor allele frequency of this variant was in the South Asian genetic ancestry group of gnomAD (v4.1.0) = 0.0009349 (85 alleles out of 90,922), which did not meet the PM2_Supporting allele frequency threshold (≤ 0.0001) or the BS1 allele frequency threshold (≥ 0.001). The SpliceAI score = 0, which met the ≤ 0.1 threshold for BP4, suggesting that the variant does not impact MYOC function. This synonymous variant meets BP4, so BP7 is met. There was no functional evidence predicting a damaging or benign impact of this variant on MYOC function. Although a proband with primary open angle glaucoma had been reported carrying this variant, PM2_Supporting was not met, therefore PS4 did not apply. In summary, this variant met the criteria to receive a score of -2 and to be classified as likely benign (likely benign classification range -2 to -6, adapted from PMID: 32720330) for primary open angle glaucoma based on the ACMG/AMP criteria met, as specified by the ClinGen Glaucoma VCEP (v2.0.0, 5 Dec 2024): BP4, BP7.